The following is an entry in ClinVar:

ClinVar aggregate classification (germline): Uncertain significance. Review status: criteria provided, multiple submitters, no conflicts (2 of 4 stars). 3 submissions from 3 submitters: Uncertain significance (3). Last evaluated 2021-09-08.

Conditions:
Autosomal recessive limb-girdle muscular dystrophy type 2J (LGMDR10). Also called: MUSCULAR DYSTROPHY, LIMB-GIRDLE, AUTOSOMAL RECESSIVE 10; Limb-girdle muscular dystrophy, type 2J. Identifiers: Orphanet 140922, MedGen C1837342, MONDO:0012127, OMIM 608807.
Tibial muscular dystrophy (TMD). Also called: Tibial muscular dystrophy, tardive; Udd Distal Myopathy – Tibial Muscular Dystrophy; UDD MYOPATHY. Identifiers: Orphanet 609, MedGen C1838244, MONDO:0010870, OMIM 600334.
Myopathy, myofibrillar, 9, with early respiratory failure (MFM9). Also called: Myopathy, distal, with early respiratory failure, autosomal dominant; EDSTROM MYOPATHY; MYOPATHY, PROXIMAL, WITH EARLY RESPIRATORY MUSCLE INVOLVEMENT; Hereditary myopathy with early respiratory failure. Identifiers: Orphanet 178464, Orphanet 34521, MedGen C1863599, MONDO:0011362, OMIM 603689.
Dilated cardiomyopathy 1G (CMD1G). Identifiers: Orphanet 154, MedGen C1858763, MONDO:0011400, OMIM 604145.
Early-onset myopathy with fatal cardiomyopathy (CMYO5). Also called: CONGENITAL MYOPATHY 5 WITH CARDIOMYOPATHY; Salih Myopathy. Identifiers: Orphanet 289377, MedGen C2673677, MONDO:0012714, OMIM 611705. Disease mechanism: loss of function.
Hypertrophic cardiomyopathy 9. Also called: Familial hypertrophic cardiomyopathy 9. Identifiers: MedGen C1861065, MONDO:0013412, OMIM 613765.

Allele frequency attached by ClinVar (database versions not stated): gnomAD exomes 0.00001 and 0.00005; gnomAD 0.00004 and 0.00005; TOPMed 0.00005; ExAC 0.00006; ESP Exome Variant Server 0.00015; 1000 Genomes Project 30x 0.00016; 1000 Genomes Project 0.00020.
gnomAD v4.1: 30 of 1,613,084 alleles (0.0019%); highest among the groups gnomAD compares: African/African-American, 0.0067%; no homozygotes.

Submissions (3):

Fulgent Genetics
Classification: Uncertain significance for Tibial muscular dystrophy; Myopathy, myofibrillar, 9, with early respiratory failure; Dilated cardiomyopathy 1G; Autosomal recessive limb-girdle muscular dystrophy type 2J; Early-onset myopathy with fatal cardiomyopathy; Hypertrophic cardiomyopathy 9. Last evaluated: 2021-09-08. Review status: criteria provided, single submitter. Criteria: ACMG Guidelines, 2015. Collection method: clinical testing. Allele origin: unknown.

Eurofins Ntd Llc (ga)
Classification: Uncertain significance. Last evaluated: 2016-12-30. Review status: criteria provided, single submitter. Criteria: EGL Classification Definitions 2015. Collection method: clinical testing. Allele origin: germline. Observed: 1 variant allele, 1 heterozygote.

Laboratory for Molecular Medicine, Mass General Brigham Personalized Medicine
Classification: Uncertain significance. Last evaluated: 2014-04-10. Review status: criteria provided, single submitter. Criteria: LMM Criteria. Collection method: clinical testing. Allele origin: germline. Observed: 1 variant allele.
Comment: The Ser4651Gly variant in TTN has not been previously reported in individuals wi th cardiomyopathy, but has been identified in 1/8596 European American chromosom es and 1/4406 African American chromosomes by the NHLBI Exome Sequencing Project (dbSNP rs190193836). Computational predictio n tools and conservation analysis are limited or unavailable for this variant. A dditional information is needed to fully assess the clinical significance of the Ser4651Gly variant.

NM_133379.5(TTN):c.13951A>G (p.Ser4651Gly)

Genes: TTN (titin; minus strand), LOC126806432 (CDK7 strongly-dependent group 2 enhancer GRCh37_chr2:179611985-179613184; plus strand). Cytogenetic location: 2q31.2.
Variant type: single nucleotide variant.
Coding change: c.13951A>G on transcript NM_133379.5; coding-DNA position 13951, A replaced by G.
Protein change: p.Ser4651Gly; replaces serine 4651 with glycine.
Molecular consequence: missense variant. On other transcripts: intron variant (6).
Genome position (GRCh38, 1-based): chr2:178,748,449, T>C on the plus strand (A>G on the coding strand, the complement: TTN is on the minus strand). VCF-style: chr2-178748449-T-C. GRCh37 (hg19) VCF-style: chr2-179613176-T-C.
Other names: c.10222+4675A>G (NM_003319.4); c.10798+4675A>G (NM_133437.4); c.10597+4675A>G (NM_133432.3); c.10360+4675A>G (NM_133378.4, NM_001256850.1); c.11311+4675A>G (NM_001267550.2); short protein forms S4651G.
Identifiers: ClinVar variation 178262 (VCV000178262.10), dbSNP rs190193836, ClinGen allele CA181953.